The following is an entry in ClinVar:

NM_020806.5(GPHN):c.154A>G (p.Thr52Ala)

Gene: GPHN (gephyrin; plus strand). Cytogenetic location: 14q23.3.
Variant type: single nucleotide variant.
Coding change: c.154A>G on transcript NM_020806.5 (MANE Select); coding-DNA position 154, A replaced by G.
Protein change: p.Thr52Ala; replaces threonine 52 with alanine.
Molecular consequence: missense variant.
Genome position (GRCh38, 1-based): chr14:66,776,474, A>G. VCF-style: chr14-66776474-A-G. GRCh37 (hg19) VCF-style: chr14-67243192-A-G.
Other names: c.154A>G, p.Thr52Ala (NM_001024218.2, NM_001377514.1, NM_001377515.1 and 4 more transcripts); short protein forms T52A.
Identifiers: ClinVar variation 2194774 (VCV002194774.4), dbSNP rs757170307, ClinGen allele CA7233665.
Genomic context (GRCh38, chr14:66,776,474, plus strand): 5'-TTTTAAACACTATTGCTGGTTTTGAGAATATTTTCTTCTCCTAATTTCAGGTTGGGTGGG[A>G]CTATATCAGCATACAAGATAGTACCAGATGAAATAGAAGAAATCAAGGTATAGTATGGCA-3'
Protein context (NP_065857.1, residues 42-62): LVQDPSLLGG[Thr52Ala]ISAYKIVPDE

ClinVar aggregate classification (germline): Uncertain significance (1 of 4 stars; one submission).

Conditions:
Sulfite oxidase deficiency due to molybdenum cofactor deficiency type C. Also called: Molybdenum cofactor deficiency, complementation group C; Molybdenum cofactor deficiency C. Identifiers: Orphanet 308400, Orphanet 833, MedGen C1854990, MONDO:0014212, OMIM 615501.

Allele frequency attached by ClinVar (database versions not stated): gnomAD exomes below 0.00001; TOPMed below 0.00001; ExAC 0.00001.
gnomAD v4.1: 1 of 1,563,886 alleles (0.000064%); highest among the groups gnomAD compares: Non-Finnish European, 0.000088%; no homozygotes.

Submission:

Labcorp Genetics (formerly Invitae), Labcorp
Classification: Uncertain significance for Sulfite oxidase deficiency due to molybdenum cofactor deficiency type C. Last evaluated: 2024-03-06. Review status: criteria provided, single submitter. Criteria: Invitae Variant Classification Sherloc (09022015). Collection method: clinical testing. Allele origin: germline.
Comment: This sequence change replaces threonine, which is neutral and polar, with alanine, which is neutral and non-polar, at codon 52 of the GPHN protein (p.Thr52Ala). This variant is present in population databases (rs757170307, gnomAD 0.0009%). This variant has not been reported in the literature in individuals affected with GPHN-related conditions. ClinVar contains an entry for this variant (Variation ID: 2194774). Advanced modeling of protein sequence and biophysical properties (such as structural, functional, and spatial information, amino acid conservation, physicochemical variation, residue mobility, and thermodynamic stability) performed at Invitae indicates that this missense variant is not expected to disrupt GPHN protein function with a negative predictive value of 80%. In summary, the available evidence is currently insufficient to determine the role of this variant in disease. Therefore, it has been classified as a Variant of Uncertain Significance.